The following is an entry in ClinVar:

ClinVar aggregate classification (germline): Conflicting classifications of pathogenicity. Review status: criteria provided, conflicting classifications (1 of 4 stars). 2 submissions from 2 submitters: Uncertain significance (1); Likely benign (1). Last evaluated 2026-01-06.

Conditions:
Long QT syndrome (LQTS). Identifiers: MedGen C0023976, MeSH D008133, MONDO:0002442. Disease mechanism: loss of function. Inheritance: Various modes of inheritance.
Cardiovascular phenotype. Identifiers: MedGen CN230736.

Allele frequency attached by ClinVar (database versions not stated): gnomAD exomes 0.00002 and 0.00001; TOPMed 0.00007; gnomAD 0.00010 and 0.00011; ExAC 0.00002.
gnomAD v4.1: 28 of 1,613,822 alleles (0.0017%); highest among the groups gnomAD compares: African/African-American, 0.033%; no homozygotes.

Submissions (2):

Labcorp Genetics (formerly Invitae), Labcorp
Classification: Uncertain significance for Long QT syndrome. Last evaluated: 2026-01-06. Review status: criteria provided, single submitter. Criteria: Invitae Variant Classification Sherloc (09022015). Collection method: clinical testing. Allele origin: germline.
Comment: This sequence change replaces glutamic acid, which is acidic and polar, with alanine, which is neutral and non-polar, at codon 3407 of the AKAP9 protein (p.Glu3407Ala). This variant is present in population databases (rs781775348, gnomAD 0.05%). This variant has not been reported in the literature in individuals affected with AKAP9-related conditions. ClinVar contains an entry for this variant (Variation ID: 527021). An algorithm developed to predict the effect of missense changes on protein structure and function (PolyPhen-2) suggests that this variant is likely to be disruptive. In summary, the available evidence is currently insufficient to determine the role of this variant in disease. Therefore, it has been classified as a Variant of Uncertain Significance.

Ambry Genetics
Classification: Likely benign for Cardiovascular phenotype. Last evaluated: 2024-12-24. Review status: criteria provided, single submitter. Criteria: Ambry Variant Classification Scheme 2023. Collection method: clinical testing. Allele origin: germline.

NM_005751.5(AKAP9):c.10220A>C (p.Glu3407Ala)

Gene: AKAP9 (A-kinase anchoring protein 9; plus strand). Cytogenetic location: 7q21.2.
Variant type: single nucleotide variant.
Coding change: c.10220A>C on transcript NM_005751.5 (MANE Select); coding-DNA position 10220, A replaced by C.
Protein change: p.Glu3407Ala; replaces glutamic acid 3407 with alanine.
Molecular consequence: missense variant.
Genome position (GRCh38, 1-based): chr7:92,097,179, A>C. VCF-style: chr7-92097179-A-C. GRCh37 (hg19) VCF-style: chr7-91726493-A-C.
Other names: c.4865A>C, p.Glu1622Ala (NM_001379277.1); c.10196A>C, p.Glu3399Ala (NM_147185.3); short protein forms E3407A, E3399A, E1622A.
Identifiers: ClinVar variation 527021 (VCV000527021.13), dbSNP rs781775348, ClinGen allele CA4337907.